The following is an entry in ClinVar:

NM_001145809.2(MYH14):c.3749C>A (p.Ala1250Glu)

Gene: MYH14 (myosin heavy chain 14; plus strand). Cytogenetic location: 19q13.33.
Variant type: single nucleotide variant.
Coding change: c.3749C>A on transcript NM_001145809.2 (MANE Select); coding-DNA position 3749, C replaced by A.
Protein change: p.Ala1250Glu; replaces alanine 1250 with glutamic acid.
Molecular consequence: missense variant.
Genome position (GRCh38, 1-based): chr19:50,276,825, C>A. VCF-style: chr19-50276825-C-A. GRCh37 (hg19) VCF-style: chr19-50780082-C-A.
Other names: c.3650C>A, p.Ala1217Glu (NM_001077186.2); c.3626C>A, p.Ala1209Glu (NM_024729.4); short protein forms A1250E, A1209E, A1217E.
Identifiers: ClinVar variation 44068 (VCV000044068.32), dbSNP rs11669191, ClinGen allele CA133495.
Genomic context (GRCh38, chr19:50,276,825, plus strand): 5'-GGGAACAGGAGGTGACGGAGCTGAAGAAGACTCTGGAGGAGGAGACTCGCATCCACGAGG[C>A]GGCAGTGCAGGAGCTGAGGCAGCGCCACGGCCAGGCCCTGGGGGAGCTGGCGGAGCAGCT-3'
Protein context (NP_001139281.1, residues 1240-1260): TLEEETRIHE[Ala1250Glu]AVQELRQRHG

ClinVar aggregate classification (germline): Benign. Review status: criteria provided, multiple submitters, no conflicts (2 of 4 stars). 11 submissions from 11 submitters: Benign (9). 2 of the submissions do not count toward it. Last evaluated 2026-02-01.

Conditions:
Autosomal dominant nonsyndromic hearing loss 4A. Also called: Deafness, autosomal dominant 4A. Identifiers: Orphanet 90635, MedGen C1833503, MONDO:0010915, OMIM 600652.

Allele frequency attached by ClinVar (database versions not stated): ESP Exome Variant Server 0.02195; 1000 Genomes Project 0.00998; 1000 Genomes Project 30x 0.01093; gnomAD 0.01884; TOPMed 0.01933.
gnomAD v4.1: 42,804 of 1,599,232 alleles (2.7%); highest among the groups gnomAD compares: Non-Finnish European, 3.2%; 651 homozygotes.

Submissions (11):

Labcorp Genetics (formerly Invitae), Labcorp
Classification: Benign. Last evaluated: 2026-02-01. Review status: criteria provided, single submitter. Criteria: Invitae Variant Classification Sherloc (09022015). Collection method: clinical testing. Allele origin: germline.

ARUP Laboratories, Molecular Genetics and Genomics, ARUP Laboratories
Classification: Benign. Last evaluated: 2023-11-29. Review status: criteria provided, single submitter. Criteria: ARUP Molecular Germline Variant Investigation Process 2024. Collection method: clinical testing. Allele origin: germline.

Mayo Clinic Laboratories, Mayo Clinic
Classification: Benign. Last evaluated: 2021-08-26. Review status: criteria provided, single submitter. Criteria: ACMG Guidelines, 2015. Collection method: clinical testing. Allele origin: germline. Observed: 76 variant alleles.
Comment: BA1, BS2

Athena Diagnostics
Classification: Benign. Last evaluated: 2018-12-07. Review status: criteria provided, single submitter. Criteria: Athena Diagnostics Criteria. Collection method: clinical testing. Allele origin: germline.

Illumina Laboratory Services, Illumina
Classification: Benign for Autosomal dominant nonsyndromic hearing loss 4A. Last evaluated: 2018-01-12. Review status: criteria provided, single submitter. Criteria: ICSL Variant Classification Criteria 13 December 2019. Collection method: clinical testing. Allele origin: germline.
Comment: This variant was observed in the ICSL laboratory as part of a predisposition screen in an ostensibly healthy population. It had not been previously curated by ICSL or reported in the Human Gene Mutation Database (HGMD: prior to June 1st, 2018), and was therefore a candidate for classification through an automated scoring system. Utilizing variant allele frequency, disease prevalence and penetrance estimates, and inheritance mode, an automated score was calculated to assess if this variant is too frequent to cause the disease. Based on the score and internal cut-off values, a variant classified as benign is not then subjected to further curation. The score for this variant resulted in a classification of benign for this disease.

GeneDx
Classification: Benign. Last evaluated: 2017-12-06. Review status: criteria provided, single submitter. Criteria: GeneDx Variant Classification (06012015). Collection method: clinical testing. Allele origin: germline. Affected: yes.
Comment: This variant is considered likely benign or benign based on one or more of the following criteria: it is a conservative change, it occurs at a poorly conserved position in the protein, it is predicted to be benign by multiple in silico algorithms, and/or has population frequency not consistent with disease.

Eurofins Ntd Llc (ga)
Classification: Benign. Last evaluated: 2016-04-12. Review status: criteria provided, single submitter. Criteria: EGL Classification Definitions 2015. Collection method: clinical testing. Allele origin: germline. Observed: 2 variant alleles, 2 heterozygotes.

Laboratory for Molecular Medicine, Mass General Brigham Personalized Medicine
Classification: Benign. Last evaluated: 2012-05-07. Review status: criteria provided, single submitter. Criteria: LMM Criteria. Collection method: clinical testing. Allele origin: germline. Observed: 64 variant alleles.
Comment: Ala1250Glu in Exon 29 of MYH14: This variant is not expected to have clinical si gnificance because it has been identified in 3.0% (209/6938) of European America n chromosomes from a broad population by the NHLBI Exome Sequencing Project (dbSNP rs11669191).

Breakthrough Genomics
Classification: Benign. Review status: criteria provided, single submitter. Criteria: ACMG Guidelines, 2015. Collection method: not provided. Allele origin: germline. Inheritance: Autosomal dominant inheritance. Affected: yes.

Clinical Genetics, Academic Medical Center
Classification: Benign. Review status: no assertion criteria provided. Collection method: clinical testing. Allele origin: germline. Affected: yes. Study: VKGL Data-share Consensus. Not counted in ClinVar's aggregate classification.

Joint Genome Diagnostic Labs from Nijmegen and Maastricht, Radboudumc and MUMC+
Classification: Benign. Review status: no assertion criteria provided. Collection method: clinical testing. Allele origin: germline. Affected: yes. Study: VKGL Data-share Consensus. Not counted in ClinVar's aggregate classification.